The following is an entry in ClinVar:

Single allele

Genes: GGNBP2 (gametogenetin binding protein 2; plus strand), MYO19 (myosin XIX; minus strand), PIGW (phosphatidylinositol glycan anchor biosynthesis class W; plus strand), ZNHIT3 (zinc finger HIT-type containing 3; plus strand). Cytogenetic location: 17q12.
Variant type: Duplication.
Identifiers: ClinVar variation 1184293 (VCV001184293.1).

ClinVar aggregate classification (germline): Uncertain significance (1 of 4 stars; one submission).

Submission:

New York Genome Center
Classification: Uncertain significance. Last evaluated: 2020-07-10. Review status: criteria provided, single submitter. Criteria: NYGC Assertion Criteria 2020. Collection method: clinical testing. Allele origin: inherited. Observed: 1 variant allele. Study: CSER-NYCKidSeq.
Comment: The inherited ~103 kb duplication identified overlaps with the well-known 1.4Mb recurrent 17q12 duplication [chr17:36,459,259-37,832,872, GRCh38, Reference 3]. The recurrent 1.4 Mb duplication contains 16 genes, four of which are located within the 103 kb duplication identified in this individual (ZNHIT3, MYO19, PIGW, and GGNBP2). Gene(s) responsible for clinical symptoms of the recurrent 1.4Mb 17q12 duplication are not identified yet [PMID: 26925472]. A 114 kb duplication involving full duplication of ZNHIT3, MYO19, and PIGW, as well as partial duplication of GGNBP2, TBC1D3G, and TBC1D3H is observed 117 times (55 homozygotes) in gnomAD SVs(v2.1). Given the uncertainty regarding the potential pathogenicity of ~103 kb duplication it is reported as a Variant of Uncertain Significance.